The following is an entry in ClinVar:

NM_000092.5(COL4A4):c.4334-3del

Gene: COL4A4 (collagen type IV alpha 4 chain; minus strand). Cytogenetic location: 2q36.3.
Variant type: Deletion.
Coding change: c.4334-3del on transcript NM_000092.5 (MANE Select); 3 bases into the intron before coding-DNA position 4334, one base deleted (C; older notation c.4334-3delC).
Molecular consequence: intron variant.
Genome position (GRCh38, 1-based): chr2:227,010,504, G deleted on the plus strand (C on the coding strand, the reverse complement: COL4A4 is on the minus strand); the first of 2 consecutive G bases (chr2:227,010,504-227,010,505); deleting either gives the same sequence. VCF-style (leftmost placement, unchanged base first): chr2-227010503-TG-T. GRCh37 (hg19) VCF-style: chr2-227875219-TG-T.
Other names: c.4334-3delC (NM_000092.4).
Identifiers: ClinVar variation 681002 (VCV000681002.43), dbSNP rs780415519, ClinGen allele CA2144190.

ClinVar aggregate classification (germline): Likely benign. Review status: criteria provided, multiple submitters, no conflicts (2 of 4 stars). 9 submissions from 9 submitters: Likely benign (6). 3 of the submissions do not count toward it. Last evaluated 2026-02-02.

Conditions:
Inborn genetic diseases. Identifiers: MedGen C0950123, MeSH D030342.

Submissions (9):

Labcorp Genetics (formerly Invitae), Labcorp
Classification: Likely benign. Last evaluated: 2026-02-02. Review status: criteria provided, single submitter. Criteria: Invitae Variant Classification Sherloc (09022015). Collection method: clinical testing. Allele origin: germline.

Ambry Genetics
Classification: Likely benign for Inborn genetic diseases. Last evaluated: 2025-03-20. Review status: criteria provided, single submitter. Criteria: Ambry Variant Classification Scheme 2023. Collection method: clinical testing. Allele origin: germline.

CeGaT Center for Human Genetics Tuebingen
Classification: Likely benign. Last evaluated: 2025-02-01. Review status: criteria provided, single submitter. Criteria: CeGaT Center For Human Genetics Tuebingen Variant Classification Criteria Version 2. Collection method: clinical testing. Allele origin: germline. Affected: yes. Observed: 2 variant alleles.
Comment: COL4A4: BP4

Blueprint Genetics
Classification: Likely benign. Last evaluated: 2024-11-11. Review status: criteria provided, single submitter. Criteria: ACMG Guidelines, 2015. Collection method: clinical testing. Allele origin: germline.

GeneDx
Classification: Likely benign. Last evaluated: 2020-12-28. Review status: criteria provided, single submitter. Criteria: GeneDx Variant Classification Process June 2021. Collection method: clinical testing. Allele origin: germline. Affected: yes.

Laboratory for Molecular Medicine, Mass General Brigham Personalized Medicine
Classification: Likely benign. Last evaluated: 2020-02-21. Review status: criteria provided, single submitter. Criteria: LMM Criteria. Collection method: clinical testing. Allele origin: germline. Observed: 1 variant allele.
Comment: The c.4334-3delC variant in COL4A4 is classified as likely benign because it has been identified in 0.1% (19/16462) of East Asian chromosomes by gnomAD. Computational prediction tools and conservation analysis suggest that this variant may not impact the protein. ACMG/AMP Criteria applied: BS1_Supporting, BP4.

Clinical Genetics DNA and cytogenetics Diagnostics Lab, Erasmus MC, Erasmus Medical Center
Classification: Likely benign. Review status: no assertion criteria provided. Collection method: clinical testing. Allele origin: germline. Affected: yes. Study: VKGL Data-share Consensus. Not counted in ClinVar's aggregate classification.

Genome Diagnostics Laboratory, University Medical Center Utrecht
Classification: Likely benign. Review status: no assertion criteria provided. Collection method: clinical testing. Allele origin: germline. Affected: yes. Study: VKGL Data-share Consensus. Not counted in ClinVar's aggregate classification.

Joint Genome Diagnostic Labs from Nijmegen and Maastricht, Radboudumc and MUMC+
Classification: Likely benign. Review status: no assertion criteria provided. Collection method: clinical testing. Allele origin: germline. Affected: yes. Study: VKGL Data-share Consensus. Not counted in ClinVar's aggregate classification.

Literature cited by the submitters: PubMed 28518168 (cited by Ambry Genetics); PubMed 32461654 (cited by Ambry Genetics).